The following is an entry in ClinVar:

ClinVar aggregate classification (germline): Uncertain significance. Review status: criteria provided, multiple submitters, no conflicts (2 of 4 stars). 2 submissions from 2 submitters: Uncertain significance (2). Last evaluated 2022-05-08.

Conditions:
Senior-Loken syndrome 7 (SLSN7). Identifiers: Orphanet 3156, MedGen C3150877, MONDO:0013326, OMIM 613615.
Bardet-Biedl syndrome 16 (BBS16). Identifiers: Orphanet 110, MedGen C3889474, MONDO:0014444, OMIM 615993.

Allele frequency attached by ClinVar (database versions not stated): gnomAD 0.00001.
gnomAD v4.1: 30 of 1,589,940 alleles (0.0019%); highest among the groups gnomAD compares: Non-Finnish European, 0.0026%; no homozygotes.

Submissions (2):

Fulgent Genetics
Classification: Uncertain significance for Senior-Loken syndrome 7; Bardet-Biedl syndrome 16. Last evaluated: 2022-05-08. Review status: criteria provided, single submitter. Criteria: ACMG Guidelines, 2015. Collection method: clinical testing. Allele origin: unknown.

Labcorp Genetics (formerly Invitae), Labcorp
Classification: Uncertain significance for Bardet-Biedl syndrome 16; Senior-Loken syndrome 7. Last evaluated: 2021-04-12. Review status: criteria provided, single submitter. Criteria: Invitae Variant Classification Sherloc (09022015). Collection method: clinical testing. Allele origin: germline.
Comment: Algorithms developed to predict the effect of missense changes on protein structure and function are either unavailable or do not agree on the potential impact of this missense change (SIFT: "Deleterious"; PolyPhen-2: "Possibly Damaging"; Align-GVGD: "Class C15"). In summary, the available evidence is currently insufficient to determine the role of this variant in disease. Therefore, it has been classified as a Variant of Uncertain Significance. This variant has not been reported in the literature in individuals with SDCCAG8-related conditions. This variant is present in population databases (rs747968552, ExAC 0.002%). This sequence change replaces tyrosine with serine at codon 232 of the SDCCAG8 protein (p.Tyr232Ser). The tyrosine residue is highly conserved and there is a large physicochemical difference between tyrosine and serine.

NM_006642.5(SDCCAG8):c.695A>C (p.Tyr232Ser)

Gene: SDCCAG8 (SHH signaling and ciliogenesis regulator SDCCAG8; plus strand). Cytogenetic location: 1q43.
Variant type: single nucleotide variant.
Coding change: c.695A>C on transcript NM_006642.5 (MANE Select); coding-DNA position 695, A replaced by C.
Protein change: p.Tyr232Ser; replaces tyrosine 232 with serine.
Molecular consequence: missense variant. On other transcripts: 5 prime UTR variant (3).
Genome position (GRCh38, 1-based): chr1:243,304,732, A>C. VCF-style: chr1-243304732-A-C. GRCh37 (hg19) VCF-style: chr1-243468034-A-C.
Other names: c.-418A>C (NM_001350246.2); c.-306A>C (NM_001350247.2); c.791A>C, p.Tyr264Ser (NM_001350248.2); c.401A>C, p.Tyr134Ser (NM_001350249.2); c.-583A>C (NM_001350251.2); short protein forms Y134S, Y232S, Y264S.
Identifiers: ClinVar variation 1499862 (VCV001499862.7), dbSNP rs747968552, ClinGen allele CA1483404.